The following is an entry in ClinVar:

NM_000059.4(BRCA2):c.1384G>C (p.Glu462Gln)

Gene: BRCA2 (BRCA2 DNA repair associated; plus strand). Cytogenetic location: 13q13.1.
Variant type: single nucleotide variant.
Coding change: c.1384G>C on transcript NM_000059.4 (MANE Select); coding-DNA position 1384, G replaced by C.
Protein change: p.Glu462Gln; replaces glutamic acid 462 with glutamine.
Molecular consequence: missense variant.
Genome position (GRCh38, 1-based): chr13:32,332,862, G>C. VCF-style: chr13-32332862-G-C. GRCh37 (hg19) VCF-style: chr13-32906999-G-C.
Other names: c.1384G>C, p.Glu462Gln (NM_001406719.1, NM_001406720.1, NM_001406721.1); short protein forms E462Q.
Identifiers: ClinVar variation 2105034 (VCV002105034.6), dbSNP rs1593892698, ClinGen allele CA387763026.

ClinVar aggregate classification (germline): Conflicting classifications of pathogenicity. Review status: criteria provided, conflicting classifications (1 of 4 stars). 2 submissions from 2 submitters: Uncertain significance (1); Likely benign (1). Last evaluated 2023-03-23.

Conditions:
Hereditary cancer-predisposing syndrome. Also called: Hereditary Cancer Syndrome; Tumor predisposition; Neoplastic Syndromes, Hereditary; Hereditary neoplastic syndrome. Identifiers: Orphanet 140162, MedGen C0027672, MeSH D009386, MONDO:0015356.
Hereditary breast ovarian cancer syndrome. Also called: Hereditary breast and ovarian cancer; Hereditary breast and ovarian cancer syndrome; Breast and ovarian cancer; BRCA1- and BRCA2-Associated Hereditary Breast and Ovarian Cancer; Hereditary breast and/or ovarian cancer syndrome; Hereditary breast and ovarian cancer syndrome (HBOC). Identifiers: Orphanet 145, MedGen C0677776, MeSH D061325, MONDO:0003582. Disease mechanism: loss of function.

Allele frequency attached by ClinVar (database versions not stated): gnomAD exomes 0.00001.
gnomAD v4.1: 3 of 1,611,962 alleles (0.00019%); highest among the groups gnomAD compares: Non-Finnish European, 0.00025%; no homozygotes.

Submissions (2):

University of Washington Department of Laboratory Medicine, University of Washington
Classification: Likely benign for Hereditary cancer-predisposing syndrome. Last evaluated: 2023-03-23. Review status: criteria provided, single submitter. Criteria: Dines et al. (Genet Med. 2020). Collection method: curation. Allele origin: germline.
Comment: Missense variant in a coldspot region where missense variants are very unlikely to be pathogenic (PMID:31911673).

BRCA2 exon 10 coldspot. Reclassification based on statistical prior probability.

Labcorp Genetics (formerly Invitae), Labcorp
Classification: Uncertain significance for Hereditary breast ovarian cancer syndrome. Last evaluated: 2022-03-01. Review status: criteria provided, single submitter. Criteria: Invitae Variant Classification Sherloc (09022015). Collection method: clinical testing. Allele origin: germline.
Comment: In summary, the available evidence is currently insufficient to determine the role of this variant in disease. Therefore, it has been classified as a Variant of Uncertain Significance. Advanced modeling of protein sequence and biophysical properties (such as structural, functional, and spatial information, amino acid conservation, physicochemical variation, residue mobility, and thermodynamic stability) performed at Invitae indicates that this missense variant is not expected to disrupt BRCA2 protein function. This variant has not been reported in the literature in individuals affected with BRCA2-related conditions. This variant is not present in population databases (gnomAD no frequency). This sequence change replaces glutamic acid, which is acidic and polar, with glutamine, which is neutral and polar, at codon 462 of the BRCA2 protein (p.Glu462Gln).